The following is an entry in ClinVar:

ClinVar aggregate classification (germline): Uncertain significance (1 of 4 stars; one submission).

gnomAD v4.1: 36 of 1,613,802 alleles (0.0022%); highest among the groups gnomAD compares: Non-Finnish European, 0.0031%; no homozygotes.

Submission:

Labcorp Genetics (formerly Invitae), Labcorp
Classification: Uncertain significance. Last evaluated: 2023-02-16. Review status: criteria provided, single submitter. Criteria: Invitae Variant Classification Sherloc (09022015). Collection method: clinical testing. Allele origin: germline.
Comment: This sequence change replaces valine, which is neutral and non-polar, with leucine, which is neutral and non-polar, at codon 71 of the GNB3 protein (p.Val71Leu). This variant is present in population databases (rs782714534, gnomAD 0.0009%). This variant has not been reported in the literature in individuals affected with GNB3-related conditions. Advanced modeling of protein sequence and biophysical properties (such as structural, functional, and spatial information, amino acid conservation, physicochemical variation, residue mobility, and thermodynamic stability) performed at Invitae indicates that this missense variant is not expected to disrupt GNB3 protein function. In summary, the available evidence is currently insufficient to determine the role of this variant in disease. Therefore, it has been classified as a Variant of Uncertain Significance.

NM_002075.4(GNB3):c.211G>C (p.Val71Leu)

Gene: GNB3 (G protein subunit beta 3; plus strand). Cytogenetic location: 12p13.31.
Variant type: single nucleotide variant.
Coding change: c.211G>C on transcript NM_002075.4 (MANE Select); coding-DNA position 211, G replaced by C.
Protein change: p.Val71Leu; replaces valine 71 with leucine.
Molecular consequence: missense variant.
Genome position (GRCh38, 1-based): chr12:6,843,181, G>C. VCF-style: chr12-6843181-G-C. GRCh37 (hg19) VCF-style: chr12-6952345-G-C.
Other names: c.211G>C, p.Val71Leu (NM_001297571.2); short protein forms V71L.
Identifiers: ClinVar variation 3023338 (VCV003023338.3), dbSNP rs782714534, ClinGen allele CA6417474.